The following is an entry in ClinVar:

ClinVar aggregate classification (germline): Likely pathogenic (1 of 4 stars; one submission).

Submission:

GeneDx
Classification: Likely pathogenic. Last evaluated: 2025-01-21. Review status: criteria provided, single submitter. Criteria: GeneDx Variant Classification Process June 2021. Collection method: clinical testing. Allele origin: germline. Affected: yes.
Comment: Canonical splice site variant predicted to result in an in-frame loss of the adjacent exon in a gene for which loss of function is a known mechanism of disease; Not observed at significant frequency in large population cohorts (gnomAD); Has not been previously published as pathogenic or benign to our knowledge

NM_000501.4(ELN):c.889+1G>T

Gene: ELN (elastin; plus strand). Cytogenetic location: 7q11.23.
Variant type: single nucleotide variant.
Coding change: c.889+1G>T on transcript NM_000501.4 (MANE Select); the canonical splice donor site of the intron after coding-DNA position 889, G replaced by T.
Molecular consequence: splice donor variant.
Genome position (GRCh38, 1-based): chr7:74,051,840, G>T. VCF-style: chr7-74051840-G-T. GRCh37 (hg19) VCF-style: chr7-73466170-G-T.
Other names: c.904+1G>T (NM_001081754.3, NM_001081753.3); c.889+1G>T (NM_001278939.2, NM_001278915.2, NM_001278912.2 and 1 more transcripts); c.847+1G>T (NM_001278916.2); c.781+1G>T (NM_001278913.2); c.874+1G>T (NM_001278914.2); c.859+1G>T (NM_001278917.2, NM_001081752.3); c.757+1G>T (NM_001278918.2).
Identifiers: ClinVar variation 4070608 (VCV004070608.1).